The following is an entry in ClinVar:

NM_022835.3(PLEKHG2):c.2534G>A (p.Arg845His)

Gene: PLEKHG2 (pleckstrin homology and RhoGEF domain containing G2; plus strand). Cytogenetic location: 19q13.2.
Variant type: single nucleotide variant.
Coding change: c.2534G>A on transcript NM_022835.3 (MANE Select); coding-DNA position 2534, G replaced by A.
Protein change: p.Arg845His; replaces arginine 845 with histidine.
Molecular consequence: missense variant. On other transcripts: intron variant (1).
Genome position (GRCh38, 1-based): chr19:39,423,588, G>A. VCF-style: chr19-39423588-G-A. GRCh37 (hg19) VCF-style: chr19-39914228-G-A.
Other names: c.2357G>A, p.Arg786His (NM_001351693.2); c.1677+1300G>A (NM_001351694.2); c.2534G>A (NM_022835.2); short protein forms R786H, R845H.
Identifiers: ClinVar variation 1439384 (VCV001439384.6), dbSNP rs372793021, ClinGen allele CA9429801.

ClinVar aggregate classification (germline): Uncertain significance. Review status: criteria provided, multiple submitters, no conflicts (2 of 4 stars). 2 submissions from 2 submitters: Uncertain significance (2). Last evaluated 2022-11-01.

Allele frequency attached by ClinVar (database versions not stated): gnomAD 0.00009 and 0.00010; ExAC 0.00013; TOPMed 0.00014; ESP Exome Variant Server 0.00031.

Submissions (2):

Labcorp Genetics (formerly Invitae), Labcorp
Classification: Uncertain significance. Last evaluated: 2022-11-01. Review status: criteria provided, single submitter. Criteria: Invitae Variant Classification Sherloc (09022015). Collection method: clinical testing. Allele origin: germline.
Comment: This sequence change replaces arginine, which is basic and polar, with histidine, which is basic and polar, at codon 845 of the PLEKHG2 protein (p.Arg845His). This variant is present in population databases (rs372793021, gnomAD 0.03%). This variant has not been reported in the literature in individuals affected with PLEKHG2-related conditions. ClinVar contains an entry for this variant (Variation ID: 1439384). Algorithms developed to predict the effect of missense changes on protein structure and function are either unavailable or do not agree on the potential impact of this missense change (SIFT: "Deleterious"; PolyPhen-2: "Probably Damaging"; Align-GVGD: "Class C0"). In summary, the available evidence is currently insufficient to determine the role of this variant in disease. Therefore, it has been classified as a Variant of Uncertain Significance.

Ambry Genetics
Classification: Uncertain significance. Last evaluated: 2021-10-12. Review status: criteria provided, single submitter. Criteria: Ambry Variant Classification Scheme 2023. Collection method: clinical testing. Allele origin: germline.